The following is an entry in ClinVar:

NM_006796.3(AFG3L2):c.2129A>G (p.Lys710Arg)

Gene: AFG3L2 (AFG3 like matrix AAA peptidase subunit 2; minus strand). Cytogenetic location: 18p11.21.
Variant type: single nucleotide variant.
Coding change: c.2129A>G on transcript NM_006796.3 (MANE Select); coding-DNA position 2129, A replaced by G.
Protein change: p.Lys710Arg; replaces lysine 710 with arginine.
Molecular consequence: missense variant.
Genome position (GRCh38, 1-based): chr18:12,337,387, T>C on the plus strand (A>G on the coding strand, the complement: AFG3L2 is on the minus strand). VCF-style: chr18-12337387-T-C. GRCh37 (hg19) VCF-style: chr18-12337386-T-C.
Other names: short protein forms K710R.
Identifiers: ClinVar variation 3902491 (VCV003902491.1).

ClinVar aggregate classification (germline): Uncertain significance (1 of 4 stars; one submission).

gnomAD v4.1: 1 of 1,614,246 alleles (0.000062%); highest among the groups gnomAD compares: African/African-American, 0.0013%; no homozygotes.

Submission:

Women's Health and Genetics/Laboratory Corporation of America, LabCorp
Classification: Uncertain significance. Last evaluated: 2025-05-06. Review status: criteria provided, single submitter. Criteria: LabCorp Variant Classification Summary - May 2015. Collection method: clinical testing. Allele origin: germline.
Comment: Variant summary: AFG3L2 c.2129A>G (p.Lys710Arg) results in a conservative amino acid change in the encoded protein sequence. Algorithms developed to predict the effect of missense changes on protein structure and function all suggest that this variant is likely to be tolerated. The variant allele was found at a frequency of 4e-06 in 251482 control chromosomes. The available data on variant occurrences in the general population are insufficient to allow any conclusion about variant significance. To our knowledge, no occurrence of c.2129A>G in individuals affected with Spinocerebellar Ataxia Type 28 and no experimental evidence demonstrating its impact on protein function have been reported. No submitters have cited clinical-significance assessments for this variant to ClinVar. Based on the evidence outlined above, the variant was classified as uncertain significance.